The following is an entry in ClinVar:

ClinVar aggregate classification (germline): Conflicting classifications of pathogenicity. Review status: criteria provided, conflicting classifications (1 of 4 stars). 6 submissions from 6 submitters: Pathogenic (1); Likely pathogenic (4); Uncertain significance (1). Last evaluated 2026-02-06.

Conditions:
Primary familial dilated cardiomyopathy (FDC). Also called: Hypokinetic dilated cardiomyopathy, familial; Familial dilated cardiomyopathy. Identifiers: Orphanet 217607, MedGen C0340427, MONDO:0016333.
Cardiovascular phenotype. Identifiers: MedGen CN230736.
Walker-Warburg congenital muscular dystrophy. Also called: Muscular dystrophy-dystroglycanopathy, type A; Walker-Warburg syndrome. Identifiers: Orphanet 899, MedGen C0265221, MONDO:0000171.
Dilated cardiomyopathy 1X (CMD1X). Also called: FKTN-Related Dilated Cardiomyopathy; CARDIOMYOPATHY, DILATED, WITH MILD OR NO PROXIMAL MUSCLE WEAKNESS. Identifiers: Orphanet 154, MedGen C1969024, MONDO:0012704, OMIM 611615.

Allele frequency attached by ClinVar (database versions not stated): ExAC 0.00001; gnomAD exomes below 0.00001; gnomAD 0.00001; TOPMed 0.00006.
gnomAD v4.1: 4 of 1,613,880 alleles (0.00025%); highest among the groups gnomAD compares: Admixed American, 0.0017%; no homozygotes.

Submissions (6):

Dasa
Classification: Likely pathogenic. Last evaluated: 2026-02-06. Review status: criteria provided, single submitter. Criteria: DASA Assertion Criteria. Collection method: clinical testing. Allele origin: germline.
Comment: NM_001079802.2(FKTN):c.1270G>A (p.Gly424Ser) is a missense variant that results in the substitution of glycine with serine. Segregation data support an association with disease in the reported family/families (PMID: 32969603; PMID: 34120883). This variant has been recurrently observed in individuals with FKTN-related disorders (PMID: 32969603; PMID: 34120883). Functional evidence supports an impact on the gene or gene product. Also, this variant is rare in population databases. Computational evidence supports a deleterious effect. Based on the currently available evidence, this variant is classified as likely pathogenic.

Ambry Genetics
Classification: Likely pathogenic for Cardiovascular phenotype. Last evaluated: 2025-03-24. Review status: criteria provided, single submitter. Criteria: Ambry Variant Classification Scheme 2023. Collection method: clinical testing. Allele origin: germline.
Comment: The p.G424S variant (also known as c.1270G>A), located in coding exon 9 of the FKTN gene, results from a G to A substitution at nucleotide position 1270. The glycine at codon 424 is replaced by serine, an amino acid with similar properties. This variant has been identified in the homozygous state in individuals with features consistent with limb girdle muscular dystrophy with cardiac-involvement (Larra&ntilde;aga-Moreira JM et al. Rev Esp Cardiol (Engl Ed), 2021 Nov;74:987-989;Winckler PB et al. Neurol Sci, 2022 Jul;43:4473-4481). This variant has also been identified in the homozygous state in two siblings with severe dilated cardiomyopathy not known to have features of skeletal muscle involvement (Villarreal-mMolina MT et al. Rev Invest Clin, 2020 May;73). This variant is considered to be rare based on population cohorts in the Genome Aggregation Database (gnomAD). This amino acid position is highly conserved in available vertebrate species. In addition, this alteration is predicted to be deleterious by in silico analysis. Based on the majority of available evidence to date, this variant is likely to be pathogenic.

Labcorp Genetics (formerly Invitae), Labcorp
Classification: Likely pathogenic for Walker-Warburg congenital muscular dystrophy. Last evaluated: 2025-03-16. Review status: criteria provided, single submitter. Criteria: Invitae Variant Classification Sherloc (09022015). Collection method: clinical testing. Allele origin: germline.
Comment: This sequence change replaces glycine, which is neutral and non-polar, with serine, which is neutral and polar, at codon 424 of the FKTN protein (p.Gly424Ser). This variant is present in population databases (rs752358445, gnomAD 0.003%). This missense change has been observed in individual(s) with FKTN-related conditions (PMID: 32969603, 34120883, 35175440). ClinVar contains an entry for this variant (Variation ID: 290602). Invitae Evidence Modeling of protein sequence and biophysical properties (such as structural, functional, and spatial information, amino acid conservation, physicochemical variation, residue mobility, and thermodynamic stability) indicates that this missense variant is expected to disrupt FKTN protein function with a positive predictive value of 95%. In summary, the currently available evidence indicates that the variant is pathogenic, but additional data are needed to prove that conclusively. Therefore, this variant has been classified as Likely Pathogenic.

Women's Health and Genetics/Laboratory Corporation of America, LabCorp
Classification: Pathogenic for Primary familial dilated cardiomyopathy. Last evaluated: 2023-05-09. Review status: criteria provided, single submitter. Criteria: LabCorp Variant Classification Summary - May 2015. Collection method: clinical testing. Allele origin: germline.
Comment: Variant summary: FKTN c.1270G>A (p.Gly424Ser) results in a non-conservative amino acid change located in the region involved in the phosphorylation of the C-terminal end (Larranaga-Moreira_2021) of the encoded protein sequence. Four of five in-silico tools predict a damaging effect of the variant on protein function. The variant allele was found at a frequency of 4e-06 in 251418 control chromosomes (gnomAD). c.1270G>A has been reported in the literature in multiple individuals affected with Dilated Cardiomyopathy and this variant co-segregated with the disease in two unrelated families (example: Larranaga-Moreira_2021, Villarreal-Molina_2020, Winckler_2022). These data indicate that the variant is very likely to be associated with disease. Additionally, a muscle biopsy from the homozygous individual in Larranaga-Moreira_2021 showed severe reduction in alpha-dystroglycan and slight reduction in laminin alpha2 compared with healthy control. The following publications have been ascertained in the context of this evaluation (PMID: 32969603, 34120883, 33048919, 35175440). Two clinical diagnostic laboratories have submitted clinical-significance assessments for this variant to ClinVar after 2014 and classified the variant as uncertain significance. Based on the evidence outlined above, the variant was classified as pathogenic.

Baylor Genetics
Classification: Likely pathogenic for Dilated cardiomyopathy 1X. Last evaluated: 2023-03-23. Review status: criteria provided, single submitter. Criteria: ACMG Guidelines, 2015. Collection method: clinical testing. Allele origin: unknown.

Eurofins Ntd Llc (ga)
Classification: Uncertain significance. Last evaluated: 2016-09-14. Review status: criteria provided, single submitter. Criteria: EGL Classification Definitions 2015. Collection method: clinical testing. Allele origin: germline. Observed: 1 variant allele, 1 heterozygote.

Literature cited by the submitters: PubMed 32969603 (cited by 3 submitters); PubMed 34120883 (cited by 4 submitters); PubMed 33048919 (cited by Ambry Genetics and Women's Health and Genetics/Laboratory Corporation of America, LabCorp); PubMed 35175440 (cited by 3 submitters).

NM_001079802.2(FKTN):c.1270G>A (p.Gly424Ser)

Gene: FKTN (fukutin; plus strand). Cytogenetic location: 9q31.2.
Variant type: single nucleotide variant.
Coding change: c.1270G>A on transcript NM_001079802.2 (MANE Select); coding-DNA position 1270, G replaced by A.
Protein change: p.Gly424Ser; replaces glycine 424 with serine.
Molecular consequence: missense variant. On other transcripts: 3 prime UTR variant (1), non-coding transcript variant (2).
Genome position (GRCh38, 1-based): chr9:105,635,148, G>A. VCF-style: chr9-105635148-G-A. GRCh37 (hg19) VCF-style: chr9-108397429-G-A.
Other names: c.1270G>A, p.Gly424Ser (NM_001198963.2, NM_001351496.2, NM_006731.2); c.1201G>A, p.Gly401Ser (NM_001351497.2); c.*62G>A (NM_001351498.2); c.874G>A, p.Gly292Ser (NM_001351499.2, NM_001351500.2, NM_001351501.2 and 1 more transcripts); short protein forms G424S, G292S, G401S.
Identifiers: ClinVar variation 290602 (VCV000290602.15), dbSNP rs752358445, ClinGen allele CA5170605.
Genomic context (GRCh38, chr9:105,635,148, plus strand): 5'-TTTGTAGACATGAAGGTCCATGTACCCTGTGAAACCCTCGAATACATTGAAGCCAACTAT[G>A]GTAAGACCTGGAAGATTCCTGTAAAGACGTGGGACTGGAAGCGCTCTCCTCCCAATGTGC-3'
Protein context (NP_001073270.1, residues 414-434): ETLEYIEANY[Gly424Ser]KTWKIPVKTW